The following is an entry in ClinVar:

NM_000238.4(KCNH2):c.2467C>T (p.Arg823Trp)

Gene: KCNH2 (potassium voltage-gated channel subfamily H member 2; minus strand). Cytogenetic location: 7q36.1.
Variant type: single nucleotide variant.
Coding change: c.2467C>T on transcript NM_000238.4 (MANE Select); coding-DNA position 2467, C replaced by T.
Protein change: p.Arg823Trp; replaces arginine 823 with tryptophan.
Molecular consequence: missense variant.
Genome position (GRCh38, 1-based): chr7:150,948,981, G>A on the plus strand (C>T on the coding strand, the complement: KCNH2 is on the minus strand). VCF-style: chr7-150948981-G-A. GRCh37 (hg19) VCF-style: chr7-150646069-G-A.
Other names: c.2467C>T (LRG_288t1); c.1447C>T, p.Arg483Trp (NM_172057.3); short protein forms R483W, R823W.
Identifiers: ClinVar variation 67402 (VCV000067402.23), dbSNP rs199473538, ClinGen allele CA006812.

ClinVar aggregate classification (germline): Pathogenic/Likely pathogenic. Review status: criteria provided, multiple submitters, no conflicts (2 of 4 stars). 8 submissions from 8 submitters: Pathogenic (6); Likely pathogenic (1). 1 of the submissions does not count toward it. Last evaluated 2026-07-22.

Conditions:
Cardiovascular phenotype. Identifiers: MedGen CN230736.
KCNH2-related disorder. Also called: KCNH2-related disorders; KCNH2-related condition.
Familial long QT syndrome (RWS). Also called: Congenital long QT syndrome; Romano-Ward syndrome; VENTRICULAR FIBRILLATION WITH PROLONGED QT INTERVAL. Identifiers: Orphanet 768, MedGen C1141890, MONDO:0019171.
Long QT syndrome (LQTS). Identifiers: MedGen C0023976, MeSH D008133, MONDO:0002442. Disease mechanism: loss of function. Inheritance: Various modes of inheritance.

Allele frequency attached by ClinVar (database versions not stated): gnomAD exomes below 0.00001; gnomAD 0.00001.
gnomAD v4.1: 2 of 1,613,632 alleles (0.00012%); highest among the groups gnomAD compares: Non-Finnish European, 0.00017%; no homozygotes.

Submissions (8):

Ambry Genetics
Classification: Pathogenic for Cardiovascular phenotype. Last evaluated: 2026-07-22. Review status: criteria provided, single submitter. Criteria: Ambry Variant Classification Scheme 2023. Collection method: clinical testing. Allele origin: germline.
Comment: The p.R823W pathogenic mutation (also known as c.2467C>T), located in coding exon 10 of the KCNH2 gene, results from a C to T substitution at nucleotide position 2467. The arginine at codon 823 is replaced by tryptophan, an amino acid with dissimilar properties. This variant was reported in individual(s) with features consistent with long QT syndrome (Splawski I et al, Circulation 2000 Sep; 102(10):1178-85; Nishio Y et al, J. Am. Coll. Cardiol. 2009 Aug; 54(9):812-9; Izumi G et al. Pediatr Cardiol. 2016 Jun;37(5):962-70; Chae H et al. Clin Chim Acta. 2017 Jan;464:128-135; Ambry internal data). In multiple assays testing KCNH2 function, this variant showed functionally abnormal results (Ficker E et al, J. Biol. Chem. 2002 Feb; 277(7):4989-98; Anderson CL et al, Circulation 2006 Jan; 113(3):365-73; Jou CJ et al, Circ. Res. 2013 Mar; 112(5):826-30). This amino acid position is highly conserved in available vertebrate species. In addition, this alteration is predicted to be deleterious by in silico analysis. This variant is considered to be rare based on population cohorts in the Genome Aggregation Database (gnomAD). Based on the supporting evidence, this variant is interpreted as a disease-causing mutation.

Labcorp Genetics (formerly Invitae), Labcorp
Classification: Pathogenic for Long QT syndrome. Last evaluated: 2026-01-16. Review status: criteria provided, single submitter. Criteria: Invitae Variant Classification Sherloc (09022015). Collection method: clinical testing. Allele origin: germline.
Comment: This sequence change replaces arginine, which is basic and polar, with tryptophan, which is neutral and slightly polar, at codon 823 of the KCNH2 protein (p.Arg823Trp). This variant is present in population databases (rs199473538, gnomAD 0.0009%). This missense change has been observed in individuals with long QT syndrome (PMID: 10973849, 11854117, 16831322, 19695459, 19716085, 23158531, 23631430). ClinVar contains an entry for this variant (Variation ID: 67402). An algorithm developed to predict the effect of missense changes on protein structure and function (PolyPhen-2) suggests that this variant is likely to be disruptive. Experimental studies have shown that this missense change affects KCNH2 function (PMID: 11741928, 16432067, 23303164). For these reasons, this variant has been classified as Pathogenic.

Mayo Clinic Laboratories, Mayo Clinic
Classification: Pathogenic. Last evaluated: 2025-01-14. Review status: criteria provided, single submitter. Criteria: ACMG Guidelines, 2015. Collection method: clinical testing. Allele origin: germline. Observed: 1 variant allele.
Comment: PP2, PP3_strong, PM1, PM2_supporting, PS3, PS4

Blueprint Genetics
Classification: Pathogenic for KCNH2-related disorders. Last evaluated: 2024-10-16. Review status: criteria provided, single submitter. Criteria: ACMG Guidelines, 2015. Collection method: clinical testing. Allele origin: germline. Affected: yes. Observed: 2 variant alleles.

Women's Health and Genetics/Laboratory Corporation of America, LabCorp
Classification: Pathogenic for Long QT syndrome. Last evaluated: 2021-11-07. Review status: criteria provided, single submitter. Criteria: LabCorp Variant Classification Summary - May 2015. Collection method: clinical testing. Allele origin: germline.
Comment: Variant summary: KCNH2 c.2467C>T (p.Arg823Trp) results in a non-conservative amino acid change located in the Cyclic nucleotide-binding domain of the encoded protein sequence. Five of five in-silico tools predict a damaging effect of the variant on protein function. The variant allele was found at a frequency of 4e-06 in 251454 control chromosomes. c.2467C>T has been reported in the literature in multiple individuals and families affected with Long QT Syndrome (eg. Splawski_2000, Moss_2002, Lieve_2013). These data indicate that the variant is very likely to be associated with disease. In experimental studies, the variant was found to result in deficient trafficking, reduced repolarization, and inability to be rescued by channel blockers (Jou_2013, Anderson_2006, Ficker_2002). Four clinical diagnostic laboratories have submitted clinical-significance assessments for this variant to ClinVar after 2014 without evidence for independent evaluation. All laboratories classified the variant as pathogenic/likely pathogenic. Based on the evidence outlined above, the variant was classified as pathogenic.

Laboratory for Molecular Medicine, Mass General Brigham Personalized Medicine
Classification: Likely pathogenic for Familial long QT syndrome. Last evaluated: 2017-06-12. Review status: criteria provided, single submitter. Criteria: LMM Criteria. Collection method: clinical testing. Allele origin: germline. Observed: 1 variant allele.
Comment: The p.Arg823Trp variant in KCNH2 has been reported in >10 individuals with long QT syndrome (Splawski 2000, Moss 2002, Kapplinger 2009, Nishio 2009, Crotti 2012 , Lieve 2013, Itoh 2016, ClinVar Variation ID 67402) and has also been reported in ClinVar (Variation ID 67402). In vitro functional studies provide some eviden ce that the p.Arg823Trp variant may impact protein function (Ficker 2002, Roti 2 002, Anderson 2006). The p.Arg823Trp variant has also been identified in 1/11170 2 of European chromosomes by the Genome Aggregation Database (gnomAD; dbSNP rs199473538). Computational prediction tools and conservation analysis suggest that the variant may impact the protein, though th is information is not predictive enough to determine pathogenicity. In summary, although additional studies are required to fully establish its clinical signifi cance, the p.Arg823Trp variant is likely pathogenic.

Stanford Center for Inherited Cardiovascular Disease, Stanford University
Classification: Pathogenic. Last evaluated: 2016-02-17. Review status: criteria provided, single submitter. Criteria: ACMG Guidelines, 2015. Collection method: provider interpretation. Allele origin: germline.

Cardiovascular Biomedical Research Unit, Royal Brompton & Harefield NHS Foundation Trust
No classification provided. Condition: Familial long QT syndrome. Review status: no classification provided. Collection method: literature only. Allele origin: germline. Not counted in ClinVar's aggregate classification.
Comment: This variant has been reported as associated with Long QT syndrome in the following publications (PMID:10973849;PMID:11854117;PMID:16432067;PMID:16831322;PMID:19716085;PMID:11741928). This is a literature report, and does not necessarily reflect the clinical interpretation of the Imperial College / Royal Brompton Cardiovascular Genetics laboratory.

Literature cited by the submitters: PubMed 10973849 (cited by 6 submitters); PubMed 11741928 (cited by 6 submitters); PubMed 16432067 (cited by 6 submitters); PubMed 19695459 (cited by 3 submitters); PubMed 23303164 (cited by 5 submitters); PubMed 26669661 (cited by Ambry Genetics and Laboratory for Molecular Medicine, Mass General Brigham Personalized Medicine); PubMed 27041096 (cited by Ambry Genetics and Mayo Clinic Laboratories, Mayo Clinic); PubMed 11854117 (cited by 5 submitters); PubMed 16831322 (cited by 3 submitters); PubMed 19716085 (cited by 4 submitters); PubMed 23158531 (cited by 3 submitters); PubMed 23631430 (cited by 3 submitters); PubMed 12270925 (cited by Mayo Clinic Laboratories, Mayo Clinic and Laboratory for Molecular Medicine, Mass General Brigham Personalized Medicine); PubMed 21440677 (cited by Mayo Clinic Laboratories, Mayo Clinic and Laboratory for Molecular Medicine, Mass General Brigham Personalized Medicine); PubMed 25158096 (cited by Mayo Clinic Laboratories, Mayo Clinic and Laboratory for Molecular Medicine, Mass General Brigham Personalized Medicine); PubMed 31557540 (cited by Mayo Clinic Laboratories, Mayo Clinic); PubMed 34076677 (cited by Mayo Clinic Laboratories, Mayo Clinic); PubMed 36861347 (cited by Mayo Clinic Laboratories, Mayo Clinic); PubMed 11278781 (cited by Laboratory for Molecular Medicine, Mass General Brigham Personalized Medicine); PubMed 22581653 (cited by Cardiovascular Biomedical Research Unit, Royal Brompton & Harefield NHS Foundation Trust).